The following is an entry in ClinVar:

NM_001429.4(EP300):c.5564C>T (p.Pro1855Leu)

Gene: EP300 (EP300 lysine acetyltransferase; plus strand). Cytogenetic location: 22q13.2.
Variant type: single nucleotide variant.
Coding change: c.5564C>T on transcript NM_001429.4 (MANE Select); coding-DNA position 5564, C replaced by T.
Protein change: p.Pro1855Leu; replaces proline 1855 with leucine.
Molecular consequence: missense variant.
Genome position (GRCh38, 1-based): chr22:41,177,275, C>T. VCF-style: chr22-41177275-C-T. GRCh37 (hg19) VCF-style: chr22-41573279-C-T.
Other names: c.5486C>T, p.Pro1829Leu (NM_001362843.2); short protein forms P1829L, P1855L.
Identifiers: ClinVar variation 3027251 (VCV003027251.22), dbSNP rs201644988, ClinGen allele CA324558722.
Genomic context (GRCh38, chr22:41,177,275, plus strand): 5'-TGCAGCGGACTGGTGTGGTTGGGCAGCAACAGGGCCTCCCTTCCCCCACTCCTGCCACTC[C>T]AACGACACCAACTGGCCAACAGCCAACCACCCCGCAGACGCCCCAGCCCACTTCTCAGCC-3'
Protein context (NP_001420.2, residues 1845-1865): QGLPSPTPAT[Pro1855Leu]TTPTGQQPTT

ClinVar aggregate classification (germline): Uncertain significance (1 of 4 stars; one submission).

Allele frequency attached by ClinVar (database versions not stated): TOPMed below 0.00001.
gnomAD v4.1: 1 of 1,614,100 alleles (0.000062%); no homozygotes.

Submission:

CeGaT Center for Human Genetics Tuebingen
Classification: Uncertain significance. Last evaluated: 2024-02-01. Review status: criteria provided, single submitter. Criteria: CeGaT Center For Human Genetics Tuebingen Variant Classification Criteria Version 2. Collection method: clinical testing. Allele origin: germline. Affected: yes. Observed: 2 variant alleles.
Comment: EP300: PM2, PP3